The following is an entry in ClinVar:

NM_004177.5(STX3):c.115-3T>C

Gene: STX3 (syntaxin 3; plus strand). Cytogenetic location: 11q12.1.
Variant type: single nucleotide variant.
Coding change: c.115-3T>C on transcript NM_004177.5 (MANE Select); 3 bases into the intron before coding-DNA position 115, T replaced by C.
Molecular consequence: intron variant.
Genome position (GRCh38, 1-based): chr11:59,787,034, T>C. VCF-style: chr11-59787034-T-C. GRCh37 (hg19) VCF-style: chr11-59554507-T-C.
Other names: c.115-3T>C (NM_001440524.1, NM_001440526.1, NM_001440529.1 and 7 more transcripts); c.109-3T>C (NM_001440528.1).
Identifiers: ClinVar variation 2125663 (VCV002125663.4), dbSNP rs2495514429, ClinGen allele CA2574833267.

ClinVar aggregate classification (germline): Uncertain significance (1 of 4 stars; one submission).

Allele frequency attached by ClinVar (database versions not stated): gnomAD exomes below 0.00001.
gnomAD v4.1: 2 of 1,613,302 alleles (0.00012%); highest among the groups gnomAD compares: Non-Finnish European, 0.000085%; no homozygotes.

Submission:

Labcorp Genetics (formerly Invitae), Labcorp
Classification: Uncertain significance. Last evaluated: 2022-04-12. Review status: criteria provided, single submitter. Criteria: Invitae Variant Classification Sherloc (09022015). Collection method: clinical testing. Allele origin: germline.
Comment: In summary, the available evidence is currently insufficient to determine the role of this variant in disease. Therefore, it has been classified as a Variant of Uncertain Significance. Variants that disrupt the consensus splice site are a relatively common cause of aberrant splicing (PMID: 17576681, 9536098). Algorithms developed to predict the effect of sequence changes on RNA splicing suggest that this variant is not likely to affect RNA splicing. This variant has not been reported in the literature in individuals affected with STX3-related conditions. This variant is not present in population databases (gnomAD no frequency). This sequence change falls in intron 2 of the STX3 gene. It does not directly change the encoded amino acid sequence of the STX3 protein. It affects a nucleotide within the consensus splice site.

Literature cited by the submitters: PubMed 17576681; PubMed 9536098.